The following is an entry in ClinVar:

ClinVar aggregate classification (germline): Uncertain significance (1 of 4 stars; one submission).

Conditions:
Hereditary cancer-predisposing syndrome. Also called: Neoplastic Syndromes, Hereditary; Tumor predisposition; Hereditary Cancer Syndrome; Hereditary neoplastic syndrome. Identifiers: Orphanet 140162, MedGen C0027672, MeSH D009386, MONDO:0015356.

Submission:

Ambry Genetics
Classification: Uncertain significance for Hereditary cancer-predisposing syndrome. Last evaluated: 2024-09-13. Review status: criteria provided, single submitter. Criteria: Ambry Variant Classification Scheme 2023. Collection method: clinical testing. Allele origin: germline.
Comment: The p.S303A variant (also known as c.907T>G), located in coding exon 7 of the POT1 gene, results from a T to G substitution at nucleotide position 907. The serine at codon 303 is replaced by alanine, an amino acid with similar properties. This amino acid position is conserved. In addition, this alteration is predicted to be tolerated by in silico analysis. Based on the available evidence, the clinical significance of this variant remains unclear.

NM_015450.3(POT1):c.907T>G (p.Ser303Ala)

Gene: POT1 (protection of telomeres 1; minus strand). Cytogenetic location: 7q31.33.
Variant type: single nucleotide variant.
Coding change: c.907T>G on transcript NM_015450.3 (MANE Select); coding-DNA position 907, T replaced by G.
Protein change: p.Ser303Ala; replaces serine 303 with alanine.
Molecular consequence: missense variant. On other transcripts: non-coding transcript variant (3).
Genome position (GRCh38, 1-based): chr7:124,851,914, A>C on the plus strand (T>G on the coding strand, the complement: POT1 is on the minus strand). VCF-style: chr7-124851914-A-C. GRCh37 (hg19) VCF-style: chr7-124491968-A-C.
Other names: c.514T>G, p.Ser172Ala (NM_001042594.2); short protein forms S172A, S303A.
Identifiers: ClinVar variation 3423126 (VCV003423126.1).